The following is an entry in ClinVar:

ClinVar aggregate classification (germline): Conflicting classifications of pathogenicity. Review status: criteria provided, conflicting classifications (1 of 4 stars). 2 submissions from 2 submitters: Uncertain significance (1); Benign (1). Last evaluated 2024-08-19.

Allele frequency attached by ClinVar (database versions not stated): gnomAD exomes 0.00001; ExAC 0.00002; TOPMed 0.00002.
gnomAD v4.1: 12 of 1,614,024 alleles (0.00074%); highest among the groups gnomAD compares: South Asian, 0.0077%; no homozygotes.

Submissions (2):

Labcorp Genetics (formerly Invitae), Labcorp
Classification: Benign. Last evaluated: 2024-08-19. Review status: criteria provided, single submitter. Criteria: Invitae Variant Classification Sherloc (09022015). Collection method: clinical testing. Allele origin: germline.

GeneDx
Classification: Uncertain significance. Last evaluated: 2024-03-27. Review status: criteria provided, single submitter. Criteria: GeneDx Variant Classification Process June 2021. Collection method: clinical testing. Allele origin: germline. Affected: yes.
Comment: Reported in an individual with severe age-related hearing loss in published literature (PMID: 33229591); In silico analysis supports that this missense variant has a deleterious effect on protein structure/function; This variant is associated with the following publications: (PMID: 33229591)

NM_002473.6(MYH9):c.5339G>A (p.Arg1780Gln)

Gene: MYH9 (myosin heavy chain 9; minus strand). Cytogenetic location: 22q12.3.
Variant type: single nucleotide variant.
Coding change: c.5339G>A on transcript NM_002473.6 (MANE Select); coding-DNA position 5339, G replaced by A.
Protein change: p.Arg1780Gln; replaces arginine 1780 with glutamine.
Molecular consequence: missense variant.
Genome position (GRCh38, 1-based): chr22:36,285,265, C>T on the plus strand (G>A on the coding strand, the complement: MYH9 is on the minus strand). VCF-style: chr22-36285265-C-T. GRCh37 (hg19) VCF-style: chr22-36681311-C-T.
Other names: short protein forms R1780Q.
Identifiers: ClinVar variation 2571917 (VCV002571917.4), dbSNP rs760128307, ClinGen allele CA10209079.
Genomic context (GRCh38, chr22:36,285,265, plus strand): 5'-GTGCCCTCCATCTCCTGCAGCTTGACCTTAAGCTCCTTGTTCTGGCGTTCCAGCTGCTGC[C>T]GAGCATTCTCGTTCTTCTGGGCGTGGCTGCGCTCCAGGTTCAGGTCGGTGTTGATCTGGT-3'
Protein context (NP_002464.1, residues 1770-1790): RSHAQKNENA[Arg1780Gln]QQLERQNKEL